The following is an entry in ClinVar:

NM_002661.5(PLCG2):c.922G>A (p.Ala308Thr)

Gene: PLCG2 (phospholipase C gamma 2; plus strand). Cytogenetic location: 16q23.3.
Variant type: single nucleotide variant.
Coding change: c.922G>A on transcript NM_002661.5 (MANE Select); coding-DNA position 922, G replaced by A.
Protein change: p.Ala308Thr; replaces alanine 308 with threonine.
Molecular consequence: missense variant.
Genome position (GRCh38, 1-based): chr16:81,891,526, G>A. VCF-style: chr16-81891526-G-A. GRCh37 (hg19) VCF-style: chr16-81925131-G-A.
Other names: short protein forms A308T.
Identifiers: ClinVar variation 1304204 (VCV001304204.7), dbSNP rs1382212475, ClinGen allele CA396897994.

ClinVar aggregate classification (germline): Uncertain significance. Review status: criteria provided, multiple submitters, no conflicts (2 of 4 stars). 3 submissions from 3 submitters: Uncertain significance (3). Last evaluated 2022-08-14.

Conditions:
Familial cold autoinflammatory syndrome 3 (FCAS3). Also called: FAMILIAL ATYPICAL COLD URTICARIA; ANTIBODY DEFICIENCY AND IMMUNE DYSREGULATION, PLCG2-ASSOCIATED. Identifiers: Orphanet 300359, MedGen C3280914, MONDO:0013766, OMIM 614468.
Autoinflammation-PLCG2-associated antibody deficiency-immune dysregulation. Also called: Autoinflammation, antibody deficiency, and immune dysregulation syndrome; AUTOINFLAMMATION, ANTIBODY DEFICIENCY, AND IMMUNE DYSREGULATION; Autoinflammation, antibody deficiency, and immune dysregulation, plcg2-associated. Identifiers: Orphanet 324530, MedGen C3553961, MONDO:0013944, OMIM 614878.

Allele frequency attached by ClinVar (database versions not stated): gnomAD 0.00001; gnomAD exomes 0.00001; TOPMed 0.00002.
gnomAD v4.1: 15 of 1,612,548 alleles (0.00093%); highest among the groups gnomAD compares: Admixed American, 0.0033%; no homozygotes.

Submissions (3):

Labcorp Genetics (formerly Invitae), Labcorp
Classification: Uncertain significance for Familial cold autoinflammatory syndrome 3. Last evaluated: 2022-08-14. Review status: criteria provided, single submitter. Criteria: Invitae Variant Classification Sherloc (09022015). Collection method: clinical testing. Allele origin: germline.
Comment: Algorithms developed to predict the effect of missense changes on protein structure and function (SIFT, PolyPhen-2, Align-GVGD) all suggest that this variant is likely to be tolerated. In summary, the available evidence is currently insufficient to determine the role of this variant in disease. Therefore, it has been classified as a Variant of Uncertain Significance. ClinVar contains an entry for this variant (Variation ID: 1304204). This variant has not been reported in the literature in individuals affected with PLCG2-related conditions. This variant is present in population databases (no rsID available, gnomAD 0.007%). This sequence change replaces alanine, which is neutral and non-polar, with threonine, which is neutral and polar, at codon 308 of the PLCG2 protein (p.Ala308Thr).

Fulgent Genetics
Classification: Uncertain significance for Familial cold autoinflammatory syndrome 3; Autoinflammation-PLCG2-associated antibody deficiency-immune dysregulation. Last evaluated: 2022-01-11. Review status: criteria provided, single submitter. Criteria: ACMG Guidelines, 2015. Collection method: clinical testing. Allele origin: unknown.

GeneDx
Classification: Uncertain significance. Last evaluated: 2020-11-03. Review status: criteria provided, single submitter. Criteria: GeneDx Variant Classification Process June 2021. Collection method: clinical testing. Allele origin: germline. Affected: yes.
Comment: In silico analysis supports that this missense variant does not alter protein structure/function; Has not been previously published as pathogenic or benign to our knowledge